The following is an entry in ClinVar:

NM_001267550.2(TTN):c.18589+5G>A

Genes: TTN (titin; minus strand), LOC126806430 (BRD4-independent group 4 enhancer GRCh37_chr2:179593794-179594993; plus strand). Cytogenetic location: 2q31.2.
Variant type: single nucleotide variant.
Coding change: c.18589+5G>A on transcript NM_001267550.2 (MANE Select); 5 bases into the intron after coding-DNA position 18589, G replaced by A.
Molecular consequence: intron variant.
Genome position (GRCh38, 1-based): chr2:178,729,659, C>T on the plus strand (G>A on the coding strand, the complement: TTN is on the minus strand). VCF-style: chr2-178729659-C-T. GRCh37 (hg19) VCF-style: chr2-179594386-C-T.
Other names: c.14857+5G>A (NM_133378.4); c.17638+5G>A (NM_001256850.1); c.13282+8423G>A (NM_003319.4); c.13858+8423G>A (NM_133437.4); c.13657+8423G>A (NM_133432.3).
Identifiers: ClinVar variation 1006182 (VCV001006182.11), dbSNP rs763752372, ClinGen allele CA2001592.

ClinVar aggregate classification (germline): Uncertain significance. Review status: criteria provided, multiple submitters, no conflicts (2 of 4 stars). 4 submissions from 4 submitters: Uncertain significance (2). 2 of the submissions do not count toward it. Last evaluated 2025-12-21.

Conditions:
Autosomal recessive limb-girdle muscular dystrophy type 2J (LGMDR10). Also called: MUSCULAR DYSTROPHY, LIMB-GIRDLE, AUTOSOMAL RECESSIVE 10; Limb-girdle muscular dystrophy, type 2J. Identifiers: Orphanet 140922, MedGen C1837342, MONDO:0012127, OMIM 608807.
Dilated cardiomyopathy 1G (CMD1G). Identifiers: Orphanet 154, MedGen C1858763, MONDO:0011400, OMIM 604145.

Allele frequency attached by ClinVar (database versions not stated): gnomAD 0.00002; TOPMed 0.00002; ExAC 0.00003; gnomAD exomes 0.00003 and 0.00004.

Submissions (4):

Labcorp Genetics (formerly Invitae), Labcorp
Classification: Uncertain significance for Dilated cardiomyopathy 1G; Autosomal recessive limb-girdle muscular dystrophy type 2J. Last evaluated: 2025-12-21. Review status: criteria provided, single submitter. Criteria: Invitae Variant Classification Sherloc (09022015). Collection method: clinical testing. Allele origin: germline.
Comment: This sequence change falls in intron 63 of the TTN gene. It does not directly change the encoded amino acid sequence of the TTN protein. It affects a nucleotide within the consensus splice site. This variant is present in population databases (rs763752372, gnomAD 0.006%). This variant has been observed in individual(s) with Tetralogy of Fallot (PMID: 39402625). ClinVar contains an entry for this variant (Variation ID: 1006182). Variants that disrupt the consensus splice site are a relatively common cause of aberrant splicing (PMID: 17576681, 9536098). Algorithms developed to predict the effect of sequence changes on RNA splicing suggest that this variant may disrupt the consensus splice site. This variant is located in the I band of TTN (PMID: 25589632). Non-truncating variants in this region may be clinically relevant, but have not been definitively shown to cause cardiomyopathy or neuromuscular disease (PMID: 27493940, 32778822). In summary, the available evidence is currently insufficient to determine the role of this variant in disease. Therefore, it has been classified as a Variant of Uncertain Significance.

Blueprint Genetics
Classification: Uncertain significance. Last evaluated: 2023-07-17. Review status: criteria provided, single submitter. Criteria: ACMG Guidelines, 2015. Collection method: clinical testing. Allele origin: germline.

Clinical Genetics DNA and cytogenetics Diagnostics Lab, Erasmus MC, Erasmus Medical Center
Classification: Uncertain significance. Review status: no assertion criteria provided. Collection method: clinical testing. Allele origin: germline. Affected: yes. Study: VKGL Data-share Consensus. Not counted in ClinVar's aggregate classification.

Diagnostic Laboratory, Department of Genetics, University Medical Center Groningen
Classification: Uncertain significance. Review status: no assertion criteria provided. Collection method: clinical testing. Allele origin: germline. Affected: yes. Study: VKGL Data-share Consensus. Not counted in ClinVar's aggregate classification.

Literature cited by the submitters: PubMed 39402625 (cited by Labcorp Genetics (formerly Invitae), Labcorp); PubMed 17576681 (cited by Labcorp Genetics (formerly Invitae), Labcorp); PubMed 9536098 (cited by Labcorp Genetics (formerly Invitae), Labcorp); PubMed 25589632 (cited by Labcorp Genetics (formerly Invitae), Labcorp); PubMed 27493940 (cited by Labcorp Genetics (formerly Invitae), Labcorp); PubMed 32778822 (cited by Labcorp Genetics (formerly Invitae), Labcorp).